The following is an entry in ClinVar:

ClinVar aggregate classification (germline): Uncertain significance (1 of 4 stars; one submission).

Allele frequency attached by ClinVar (database versions not stated): gnomAD exomes below 0.00001 and 0.00001; TOPMed below 0.00001; gnomAD 0.00001.

Submission:

Labcorp Genetics (formerly Invitae), Labcorp
Classification: Uncertain significance. Last evaluated: 2022-06-13. Review status: criteria provided, single submitter. Criteria: Invitae Variant Classification Sherloc (09022015). Collection method: clinical testing. Allele origin: germline.
Comment: ClinVar contains an entry for this variant (Variation ID: 1052667). This sequence change replaces threonine, which is neutral and polar, with alanine, which is neutral and non-polar, at codon 198 of the CA4 protein (p.Thr198Ala). This variant is present in population databases (no rsID available, gnomAD 0.0009%). This variant has not been reported in the literature in individuals affected with CA4-related conditions. Algorithms developed to predict the effect of missense changes on protein structure and function are either unavailable or do not agree on the potential impact of this missense change (SIFT: "Not Available"; PolyPhen-2: "Benign"; Align-GVGD: "Not Available"). In summary, the available evidence is currently insufficient to determine the role of this variant in disease. Therefore, it has been classified as a Variant of Uncertain Significance.

NM_000717.5(CA4):c.592A>G (p.Thr198Ala)

Gene: CA4 (carbonic anhydrase 4; plus strand). Cytogenetic location: 17q23.1.
Variant type: single nucleotide variant.
Coding change: c.592A>G on transcript NM_000717.5 (MANE Select); coding-DNA position 592, A replaced by G.
Protein change: p.Thr198Ala; replaces threonine 198 with alanine.
Molecular consequence: missense variant. On other transcripts: non-coding transcript variant (1).
Genome position (GRCh38, 1-based): chr17:60,158,294, A>G. VCF-style: chr17-60158294-A-G. GRCh37 (hg19) VCF-style: chr17-58235655-A-G.
Other names: short protein forms T198A.
Identifiers: ClinVar variation 1052667 (VCV001052667.9), dbSNP rs1383754561, ClinGen allele CA400458278.